The following is an entry in ClinVar:

ClinVar aggregate classification (germline): Uncertain significance (1 of 4 stars; one submission).

Allele frequency attached by ClinVar (database versions not stated): gnomAD exomes 0.00001 and 0.00002; TOPMed 0.00001; ExAC 0.00002.
gnomAD v4.1: 6 of 1,614,158 alleles (0.00037%); highest among the groups gnomAD compares: Admixed American, 0.01%; no homozygotes.

Submission:

Labcorp Genetics (formerly Invitae), Labcorp
Classification: Uncertain significance. Last evaluated: 2026-01-09. Review status: criteria provided, single submitter. Criteria: Invitae Variant Classification Sherloc (09022015). Collection method: clinical testing. Allele origin: germline.
Comment: This sequence change replaces asparagine, which is neutral and polar, with serine, which is neutral and polar, at codon 1289 of the ADGRA3 protein (p.Asn1289Ser). This variant is present in population databases (rs765147381, gnomAD 0.02%). This variant has not been reported in the literature in individuals affected with ADGRA3-related conditions. ClinVar contains an entry for this variant (Variation ID: 999956). An algorithm developed to predict the effect of missense changes on protein structure and function (PolyPhen-2) suggests that this variant is likely to be disruptive. In summary, the available evidence is currently insufficient to determine the role of this variant in disease. Therefore, it has been classified as a Variant of Uncertain Significance.

NM_145290.4(ADGRA3):c.3866A>G (p.Asn1289Ser)

Gene: ADGRA3 (adhesion G protein-coupled receptor A3; minus strand). Cytogenetic location: 4p15.2.
Variant type: single nucleotide variant.
Coding change: c.3866A>G on transcript NM_145290.4 (MANE Select); coding-DNA position 3866, A replaced by G.
Protein change: p.Asn1289Ser; replaces asparagine 1289 with serine.
Molecular consequence: missense variant.
Genome position (GRCh38, 1-based): chr4:22,387,805, T>C on the plus strand (A>G on the coding strand, the complement: ADGRA3 is on the minus strand). VCF-style: chr4-22387805-T-C. GRCh37 (hg19) VCF-style: chr4-22389428-T-C.
Other names: short protein forms N1289S.
Identifiers: ClinVar variation 999956 (VCV000999956.10), dbSNP rs765147381, ClinGen allele CA2873277.